The following is an entry in ClinVar:

ClinVar aggregate classification (germline): Uncertain significance (1 of 4 stars; one submission).

Submission:

GeneDx
Classification: Uncertain significance. Last evaluated: 2019-06-12. Review status: criteria provided, single submitter. Criteria: GeneDx Variant Classification Process June 2021. Collection method: clinical testing. Allele origin: germline. Affected: yes.
Comment: Not observed in large population cohorts (Lek et al., 2016); In silico analysis, which includes protein predictors and evolutionary conservation, supports a deleterious effect; Has not been previously published as pathogenic or benign to our knowledge

NM_016628.5(WAC):c.233C>A (p.Ala78Asp)

Gene: WAC (WW domain containing adaptor with coiled-coil; plus strand). Cytogenetic location: 10p12.1.
Variant type: single nucleotide variant.
Coding change: c.233C>A on transcript NM_016628.5 (MANE Select); coding-DNA position 233, C replaced by A.
Protein change: p.Ala78Asp; replaces alanine 78 with aspartic acid.
Molecular consequence: missense variant.
Genome position (GRCh38, 1-based): chr10:28,535,716, C>A. VCF-style: chr10-28535716-C-A. GRCh37 (hg19) VCF-style: chr10-28824645-C-A.
Other names: c.98C>A, p.Ala33Asp (NM_100264.3); c.233C>A, p.Ala78Asp (NM_100486.4); short protein forms A33D, A78D.
Identifiers: ClinVar variation 1306403 (VCV001306403.2), dbSNP rs2132308145, ClinGen allele CA376493790.